The following is an entry in ClinVar:

NC_000015.10:g.(?_68208120)_(68229604_?)del

Gene: CLN6 (CLN6 transmembrane ER protein; minus strand). Cytogenetic location: 15q23.
Variant type: Deletion.
Identifiers: ClinVar variation 833141 (VCV000833141.6).

ClinVar aggregate classification (germline): Pathogenic (1 of 4 stars; one submission).

Conditions:
Neuronal ceroid lipofuscinosis. Also called: Neuronal Ceroid Lipofuscinoses. Identifiers: Orphanet 216, Orphanet 79263, MedGen C0027877, MONDO:0016295. Disease mechanism: loss of function.

Submission:

Labcorp Genetics (formerly Invitae), Labcorp
Classification: Pathogenic for Neuronal ceroid lipofuscinosis. Last evaluated: 2020-01-27. Review status: criteria provided, single submitter. Criteria: Invitae Variant Classification Sherloc (09022015). Collection method: clinical testing. Allele origin: germline.
Comment: For these reasons, this variant has been classified as Pathogenic. Loss-of-function variants in CLN6 are known to be pathogenic (PMID: 19135028). This variant has not been reported in the literature in individuals with CLN6-related conditions. A gross deletion of the genomic region encompassing the full coding sequence of the CLN6 gene has been identified. The boundaries of this event are unknown as the deletion extends beyond the assayed region for this gene and therefore may encompass additional genes.

Literature cited by the submitters: PubMed 19135028.